The following is an entry in ClinVar:

ClinVar aggregate classification (germline): Uncertain significance. Review status: criteria provided, multiple submitters, no conflicts (2 of 4 stars). 2 submissions from 2 submitters: Uncertain significance (2). Last evaluated 2024-07-30.

Conditions:
Inborn genetic diseases. Identifiers: MedGen C0950123, MeSH D030342.

Submissions (2):

Ambry Genetics
Classification: Uncertain significance for Inborn genetic diseases. Last evaluated: 2024-07-30. Review status: criteria provided, single submitter. Criteria: Ambry Variant Classification Scheme 2023. Collection method: clinical testing. Allele origin: germline.

Labcorp Genetics (formerly Invitae), Labcorp
Classification: Uncertain significance. Last evaluated: 2024-03-28. Review status: criteria provided, single submitter. Criteria: Invitae Variant Classification Sherloc (09022015). Collection method: clinical testing. Allele origin: germline.
Comment: This sequence change replaces arginine, which is basic and polar, with histidine, which is basic and polar, at codon 106 of the PTH1R protein (p.Arg106His). This variant is present in population databases (rs200493857, gnomAD 0.01%). This variant has not been reported in the literature in individuals affected with PTH1R-related conditions. Advanced modeling of protein sequence and biophysical properties (such as structural, functional, and spatial information, amino acid conservation, physicochemical variation, residue mobility, and thermodynamic stability) performed at Invitae indicates that this missense variant is not expected to disrupt PTH1R protein function with a negative predictive value of 80%. In summary, the available evidence is currently insufficient to determine the role of this variant in disease. Therefore, it has been classified as a Variant of Uncertain Significance.

NM_000316.3(PTH1R):c.317G>A (p.Arg106His)

Gene: PTH1R (parathyroid hormone 1 receptor; plus strand). Cytogenetic location: 3p21.31.
Variant type: single nucleotide variant.
Coding change: c.317G>A on transcript NM_000316.3 (MANE Select); coding-DNA position 317, G replaced by A.
Protein change: p.Arg106His; replaces arginine 106 with histidine.
Molecular consequence: missense variant.
Genome position (GRCh38, 1-based): chr3:46,897,858, G>A. VCF-style: chr3-46897858-G-A. GRCh37 (hg19) VCF-style: chr3-46939348-G-A.
Other names: c.317G>A, p.Arg106His (NM_001184744.1); short protein forms R106H.
Identifiers: ClinVar variation 3427591 (VCV003427591.3).